The following is an entry in ClinVar:

ClinVar aggregate classification (germline): Pathogenic (1 of 4 stars; one submission).

Conditions:
Ataxia-telangiectasia syndrome (AT). Also called: Ataxia-telangiectasia, complementation group D; AT, COMPLEMENTATION GROUP C; ATAXIA-TELANGIECTASIA, COMPLEMENTATION GROUP A; ATAXIA-TELANGIECTASIA, FRESNO VARIANT; Ataxia-telangiectasia, complementation group E; LOUIS-BAR SYNDROME. Identifiers: Orphanet 100, MedGen C0004135, MONDO:0008840, OMIM 208900.

Submission:

Labcorp Genetics (formerly Invitae), Labcorp
Classification: Pathogenic for Ataxia-telangiectasia syndrome. Last evaluated: 2022-05-10. Review status: criteria provided, single submitter. Criteria: Invitae Variant Classification Sherloc (09022015). Collection method: clinical testing. Allele origin: germline.
Comment: For these reasons, this variant has been classified as Pathogenic. This variant has not been reported in the literature in individuals affected with ATM-related conditions. This variant is not present in population databases (gnomAD no frequency). This sequence change creates a premature translational stop signal (p.Ser2141Leufs*5) in the ATM gene. It is expected to result in an absent or disrupted protein product. Loss-of-function variants in ATM are known to be pathogenic (PMID: 23807571, 25614872).

Literature cited by the submitters: PubMed 23807571; PubMed 25614872.

NM_000051.4(ATM):c.6419dup (p.Ser2141fs)

Genes: ATM (ATM serine/threonine kinase; plus strand), C11orf65 (chromosome 11 open reading frame 65; minus strand). Cytogenetic location: 11q22.3.
Variant type: Duplication.
Coding change: c.6419dup on transcript NM_000051.4 (MANE Select); coding-DNA position 6419, one base duplicated (T; older notation c.6419dupT).
Protein change: p.Ser2141fs; shifts the reading frame from serine 2141.
Molecular consequence: frameshift variant. On other transcripts: intron variant (2).
Genome position (GRCh38, 1-based): chr11:108,320,025, T duplicated; the last of 2 consecutive T bases (chr11:108,320,024-108,320,025); duplicating either gives the same sequence. VCF-style (leftmost placement, unchanged base first): chr11-108320023-A-AT. GRCh37 (hg19) VCF-style: chr11-108190750-A-AT.
Other names: c.6419dup, p.Ser2141fs (NM_001351834.2); c.641-10953dup (NM_001330368.2); c.*39-10953dup (NM_001351110.2); short protein forms S2141fs.
Identifiers: ClinVar variation 1992728 (VCV001992728.4), dbSNP rs2547147266, ClinGen allele CA2580083432.
Genomic context (GRCh38, chr11:108,320,023, plus strand): 5'-AGAAGGAACCAGTTACCATGAATCATTGTACAATGCTCTACAATCTCTAAGAGACAGAGA[A>AT]TTCTCTACATTTTATGAAAGTCTCAAATATGCCAGGTATTATGAAAAGACAAAGTTACTG-3'